The following is an entry in ClinVar:

NM_017739.4(POMGNT1):c.1712A>G (p.Glu571Gly)

Genes: POMGNT1 (protein O-linked mannose N-acetylglucosaminyltransferase 1 (beta 1,2-); minus strand), TSPAN1 (tetraspanin 1; plus strand). Cytogenetic location: 1p34.1.
Variant type: single nucleotide variant.
Coding change: c.1712A>G on transcript NM_017739.4 (MANE Select); coding-DNA position 1712, A replaced by G.
Protein change: p.Glu571Gly; replaces glutamic acid 571 with glycine.
Molecular consequence: missense variant.
Genome position (GRCh38, 1-based): chr1:46,189,927, T>C on the plus strand (A>G on the coding strand, the complement: POMGNT1 is on the minus strand). VCF-style: chr1-46189927-T-C. GRCh37 (hg19) VCF-style: chr1-46655599-T-C.
Other names: c.1712A>G, p.Glu571Gly (NM_001243766.2, NM_001410783.1); c.1646A>G, p.Glu549Gly (NM_001290129.3); c.1283A>G, p.Glu428Gly (NM_001290130.2); short protein forms E428G, E549G, E571G.
Identifiers: ClinVar variation 1467906 (VCV001467906.7), dbSNP rs1204034604, ClinGen allele CA340171437.
Genomic context (GRCh38, chr1:46,189,927, plus strand): 5'-GTCCAGGTGGTGAAGTCATCATCTTTCTCCATTCGAATAAAGGCCACGTAGGTGTGGCCC[T>C]CTGTGTCTGGCAGGAAAGAGTCTTCACAAGGGTTCTTGCTGTGGTCCAGAACCTCAGCCT-3'
Protein context (NP_060209.4, residues 561-581): PCEDSFLPDT[Glu571Gly]GHTYVAFIRM

ClinVar aggregate classification (germline): Uncertain significance (1 of 4 stars; one submission).

Conditions:
Autosomal recessive limb-girdle muscular dystrophy type 2O. Also called: Limb-Girdle Muscular Dystrophy Type 3C; MUSCULAR DYSTROPHY-DYSTROGLYCANOPATHY (LIMB-GIRDLE), TYPE C, 3; MUSCULAR DYSTROPHY-DYSTROGLYCANOPATHY, LIMB-GIRDLE, POMGNT1-RELATED. Identifiers: Orphanet 206564, MedGen C3150417, MONDO:0013161, OMIM 613157.
Muscular dystrophy-dystroglycanopathy (congenital with impaired intellectual development), type B, 3. Also called: Muscular dystrophy-dystroglycanopathy (congenital with intellectual disability), type B3; MUSCULAR DYSTROPHY, CONGENITAL, POMGNT1-RELATED. Identifiers: MedGen C3150412, MONDO:0013155, OMIM 613151.

Allele frequency attached by ClinVar (database versions not stated): gnomAD exomes below 0.00001 and 0.00001; TOPMed below 0.00001.
gnomAD v4.1: 11 of 1,614,072 alleles (0.00068%); highest among the groups gnomAD compares: Non-Finnish European, 0.00093%; no homozygotes.

Submission:

Labcorp Genetics (formerly Invitae), Labcorp
Classification: Uncertain significance for Autosomal recessive limb-girdle muscular dystrophy type 2O; Muscular dystrophy-dystroglycanopathy (congenital with impaired intellectual development), type B, 3. Last evaluated: 2021-09-24. Review status: criteria provided, single submitter. Criteria: Invitae Variant Classification Sherloc (09022015). Collection method: clinical testing. Allele origin: germline.
Comment: This sequence change replaces glutamic acid with glycine at codon 571 of the POMGNT1 protein (p.Glu571Gly). The glutamic acid residue is highly conserved and there is a moderate physicochemical difference between glutamic acid and glycine. This variant is not present in population databases (ExAC no frequency). This variant has not been reported in the literature in individuals with POMGNT1-related conditions. Advanced modeling of protein sequence and biophysical properties (such as structural, functional, and spatial information, amino acid conservation, physicochemical variation, residue mobility, and thermodynamic stability) performed at Invitae indicates that this missense variant is not expected to disrupt POMGNT1 protein function. In summary, the available evidence is currently insufficient to determine the role of this variant in disease. Therefore, it has been classified as a Variant of Uncertain Significance.